The following is an entry in ClinVar:

NM_000035.4(ALDOB):c.*152A>G

Gene: ALDOB (aldolase, fructose-bisphosphate B; minus strand). Cytogenetic location: 9q31.1.
Variant type: single nucleotide variant.
Coding change: c.*152A>G on transcript NM_000035.4 (MANE Select); 152 bases downstream of the stop codon, A replaced by G.
Molecular consequence: 3 prime UTR variant.
Genome position (GRCh38, 1-based): chr9:101,421,657, T>C on the plus strand (A>G on the coding strand, the complement: ALDOB is on the minus strand). VCF-style: chr9-101421657-T-C. GRCh37 (hg19) VCF-style: chr9-104183939-T-C.
Identifiers: ClinVar variation 913565 (VCV000913565.5), dbSNP rs192418526, ClinGen allele CA196955711.

ClinVar aggregate classification (germline): Likely benign. Review status: criteria provided, multiple submitters, no conflicts (2 of 4 stars). 2 submissions from 2 submitters: Likely benign (2). Last evaluated 2018-01-13.

Conditions:
Hereditary fructosuria. Also called: ALDOB DEFICIENCY; ALDOLASE B DEFICIENCY; FRUCTOSE-1,6-BISPHOSPHATE ALDOLASE B DEFICIENCY; FRUCTOSE-1-PHOSPHATE ALDOLASE DEFICIENCY; FRUCTOSEMIA; Hereditary fructose intolerance. Identifiers: Orphanet 469, MedGen C0016751, MONDO:0009249, OMIM 229600, HP:0005973. Disease mechanism: loss of function.

Allele frequency attached by ClinVar (database versions not stated): gnomAD exomes 0.00019; gnomAD 0.00147 and 0.00156; TOPMed 0.00158; 1000 Genomes Project 30x 0.00172; 1000 Genomes Project 0.00200.
gnomAD v4.1: 336 of 732,354 alleles (0.046%); highest among the groups gnomAD compares: African/African-American, 0.54%; 3 homozygotes.

Submissions (2):

Illumina Laboratory Services, Illumina
Classification: Likely benign for Hereditary fructosuria. Last evaluated: 2018-01-13. Review status: criteria provided, single submitter. Criteria: ICSL Variant Classification Criteria 13 December 2019. Collection method: clinical testing. Allele origin: germline.
Comment: This variant was observed in the ICSL laboratory as part of a predisposition screen in an ostensibly healthy population. It had not been previously curated by ICSL or reported in the Human Gene Mutation Database (HGMD: prior to June 1st, 2018), and was therefore a candidate for classification through an automated scoring system. Utilizing variant allele frequency, disease prevalence and penetrance estimates, and inheritance mode, an automated score was calculated to assess if this variant is too frequent to cause the disease. Based on the score and internal cut-off values, a variant classified as likely benign is not then subjected to further curation. The score for this variant resulted in a classification of likely benign for this disease.

Breakthrough Genomics
Classification: Likely benign. Review status: criteria provided, single submitter. Criteria: ACMG Guidelines, 2015. Collection method: not provided. Allele origin: germline. Inheritance: Autosomal recessive inheritance. Affected: yes.